The following is an entry in ClinVar:

ClinVar aggregate classification (germline): Uncertain significance (1 of 4 stars; one submission).

Allele frequency attached by ClinVar (database versions not stated): gnomAD exomes below 0.00001.

Submission:

Labcorp Genetics (formerly Invitae), Labcorp
Classification: Uncertain significance. Last evaluated: 2022-10-03. Review status: criteria provided, single submitter. Criteria: Invitae Variant Classification Sherloc (09022015). Collection method: clinical testing. Allele origin: germline.
Comment: This variant has not been reported in the literature in individuals affected with CXCR2-related conditions. In summary, the available evidence is currently insufficient to determine the role of this variant in disease. Therefore, it has been classified as a Variant of Uncertain Significance. Algorithms developed to predict the effect of missense changes on protein structure and function output the following: SIFT: "Tolerated"; PolyPhen-2: "Probably Damaging"; Align-GVGD: "Class C0". The isoleucine amino acid residue is found in multiple mammalian species, which suggests that this missense change does not adversely affect protein function. This variant is not present in population databases (gnomAD no frequency). This sequence change replaces valine, which is neutral and non-polar, with isoleucine, which is neutral and non-polar, at codon 58 of the CXCR2 protein (p.Val58Ile).

NM_001557.4(CXCR2):c.172G>A (p.Val58Ile)

Gene: CXCR2 (C-X-C motif chemokine receptor 2; plus strand). Cytogenetic location: 2q35.
Variant type: single nucleotide variant.
Coding change: c.172G>A on transcript NM_001557.4 (MANE Select); coding-DNA position 172, G replaced by A.
Protein change: p.Val58Ile; replaces valine 58 with isoleucine.
Molecular consequence: missense variant.
Genome position (GRCh38, 1-based): chr2:218,134,973, G>A. VCF-style: chr2-218134973-G-A. GRCh37 (hg19) VCF-style: chr2-218999696-G-A.
Other names: c.172G>A, p.Val58Ile (NM_001168298.2); short protein forms V58I.
Identifiers: ClinVar variation 1944401 (VCV001944401.5), dbSNP rs2469113590, ClinGen allele CA350528584.